The following is an entry in ClinVar:

ClinVar aggregate classification (germline): Conflicting classifications of pathogenicity. Review status: criteria provided, conflicting classifications (1 of 4 stars). 2 submissions from 2 submitters: Likely pathogenic (1); Uncertain significance (1). Last evaluated 2026-02-04.

Conditions:
Arrhythmogenic cardiomyopathy with wooly hair and keratoderma. Also called: Dilated cardiomyopathy with woolly hair and keratoderma; PALMOPLANTAR KERATODERMA WITH LEFT VENTRICULAR CARDIOMYOPATHY AND WOOLLY HAIR; Carvajal syndrome; Arrhythmogenic cardiomyopathy with woolly hair and keratoderma. Identifiers: Orphanet 65282, MedGen C1854063, MONDO:0011581, OMIM 605676.
Arrhythmogenic right ventricular dysplasia 8 (ARVD8). Also called: Arrhythmogenic Right Ventricular Dysplasia/Cardiomyopathy 8; ARRHYTHMOGENIC RIGHT VENTRICULAR DYSPLASIA, FAMILIAL, 8; ARRHYTHMOGENIC RIGHT VENTRICULAR CARDIOMYOPATHY 8. Identifiers: MedGen C1843896, MONDO:0011831, OMIM 607450.

Submissions (2):

GeneDx
Classification: Likely pathogenic. Last evaluated: 2026-02-04. Review status: criteria provided, single submitter. Criteria: GeneDx Variant Classification Process June 2021. Collection method: clinical testing. Allele origin: germline.
Comment: Identified in a patient with DCM in published literature (PMID: 31317183); Frameshift variant predicted to result in abnormal protein length as the last 48 amino acids are replaced with 52 different amino acids, and other similar variants have been reported; Not observed at significant frequency in large population cohorts (gnomAD); This variant is associated with the following publications: (PMID: 31317183)

Labcorp Genetics (formerly Invitae), Labcorp
Classification: Uncertain significance for Arrhythmogenic cardiomyopathy with wooly hair and keratoderma; Arrhythmogenic right ventricular dysplasia 8. Last evaluated: 2025-04-09. Review status: criteria provided, single submitter. Criteria: Invitae Variant Classification Sherloc (09022015). Collection method: clinical testing. Allele origin: germline.
Comment: This sequence change results in a frameshift in the DSP gene (p.Gly2824Alafs*53). While this is not anticipated to result in nonsense mediated decay, it is expected to disrupt the last 48 amino acid(s) of the DSP protein and extend the protein by 4 additional amino acid residues. This variant is not present in population databases (gnomAD no frequency). This frameshift has been observed in individual(s) with clinical features of arrhythmogenic cardiomyopathy (PMID: 31317183). ClinVar contains an entry for this variant (Variation ID: 1425816). In summary, the available evidence is currently insufficient to determine the role of this variant in disease. Therefore, it has been classified as a Variant of Uncertain Significance.

Literature cited by the submitters: PubMed 31317183 (cited by Labcorp Genetics (formerly Invitae), Labcorp).

NM_004415.4(DSP):c.8469_8487del (p.Gly2824fs)

Gene: DSP (desmoplakin; plus strand). Cytogenetic location: 6p24.3.
Variant type: Deletion.
Coding change: c.8469_8487del on transcript NM_004415.4 (MANE Select); coding-DNA positions 8469 to 8487, 19 bases deleted (GGGGTCCCGCTCCGGCTCC).
Protein change: p.Gly2824fs; shifts the reading frame from glycine 2824.
Molecular consequence: frameshift variant.
Genome position (GRCh38, 1-based): chr6:7,585,731-7,585,749, GGGGTCCCGCTCCGGCTCC deleted; deleting any 19 consecutive bases within chr6:7,585,724-7,585,749 gives the same sequence; the c. name uses the placement nearest the transcript's 3' end. VCF-style (leftmost placement, unchanged base first): chr6-7585723-TCGGCTCCGGGGTCCCGCTC-T. GRCh37 (hg19) VCF-style: chr6-7585956-TCGGCTCCGGGGTCCCGCTC-T.
Other names: c.8469_8487del (NM_004415.2); c.6672_6690del, p.Gly2225fs (NM_001008844.3); c.7140_7158del, p.Gly2381fs (NM_001319034.2); short protein forms G2381fs, G2225fs, G2824fs.
Identifiers: ClinVar variation 1425816 (VCV001425816.10), dbSNP rs2113705210, ClinGen allele CA2573140825.
Genomic context (GRCh38, chr6:7,585,723, plus strand): 5'-CGCCTTCTGGAAGCCGCCTCCGTGTCGTCCAAGGGCTTACCCAGCCCTTACAACATGTCT[TCGGCTCCGGGGTCCCGCTC>T]CGGCTCCCGCTCGGGATCTCGCTCCGGATCTCGCTCCGGGTCCCGCAGTGGGTCCCGGAG-3'